The following is an entry in ClinVar:

ClinVar aggregate classification (germline): Uncertain significance. Review status: criteria provided, multiple submitters, no conflicts (2 of 4 stars). 2 submissions from 2 submitters: Uncertain significance (2). Last evaluated 2025-07-09.

Allele frequency attached by ClinVar (database versions not stated): gnomAD exomes 0.00003 and 0.00004; TOPMed 0.00004; gnomAD 0.00005; ExAC 0.00006; 1000 Genomes Project 30x 0.00016; 1000 Genomes Project 0.00020.
gnomAD v4.1: 59 of 1,613,136 alleles (0.0037%); highest among the groups gnomAD compares: Middle Eastern, 0.15%; 1 homozygote.

Submissions (2):

GeneDx
Classification: Uncertain significance. Last evaluated: 2025-07-09. Review status: criteria provided, single submitter. Criteria: GeneDx Variant Classification Process June 2021. Collection method: clinical testing. Allele origin: germline. Affected: yes.
Comment: In silico analysis suggests that this missense variant does not alter protein structure/function; Has not been previously published as pathogenic or benign to our knowledge

Labcorp Genetics (formerly Invitae), Labcorp
Classification: Uncertain significance. Last evaluated: 2023-05-24. Review status: criteria provided, single submitter. Criteria: Invitae Variant Classification Sherloc (09022015). Collection method: clinical testing. Allele origin: germline.
Comment: In summary, the available evidence is currently insufficient to determine the role of this variant in disease. Therefore, it has been classified as a Variant of Uncertain Significance. Algorithms developed to predict the effect of missense changes on protein structure and function output the following: SIFT: "Not Available"; PolyPhen-2: "Benign"; Align-GVGD: "Not Available". The isoleucine amino acid residue is found in multiple mammalian species, which suggests that this missense change does not adversely affect protein function. ClinVar contains an entry for this variant (Variation ID: 1403928). This variant has not been reported in the literature in individuals affected with OBSL1-related conditions. The frequency data for this variant in the population databases is considered unreliable, as metrics indicate poor data quality at this position in the gnomAD database. This sequence change replaces valine, which is neutral and non-polar, with isoleucine, which is neutral and non-polar, at codon 634 of the OBSL1 protein (p.Val634Ile).

NM_015311.3(OBSL1):c.1900G>A (p.Val634Ile)

Gene: OBSL1 (obscurin like cytoskeletal adaptor 1; minus strand). Cytogenetic location: 2q35.
Variant type: single nucleotide variant.
Coding change: c.1900G>A on transcript NM_015311.3 (MANE Select); coding-DNA position 1900, G replaced by A.
Protein change: p.Val634Ile; replaces valine 634 with isoleucine.
Molecular consequence: missense variant.
Genome position (GRCh38, 1-based): chr2:219,567,064, C>T on the plus strand (G>A on the coding strand, the complement: OBSL1 is on the minus strand). VCF-style: chr2-219567064-C-T. GRCh37 (hg19) VCF-style: chr2-220431786-C-T.
Other names: c.1900G>A, p.Val634Ile (NM_001173408.2, NM_001173431.2); short protein forms V634I.
Identifiers: ClinVar variation 1403928 (VCV001403928.7), dbSNP rs562383235, ClinGen allele CA2131376.